The following is an entry in ClinVar:

NM_001374828.1(ARID1B):c.2548G>T (p.Ala850Ser)

Gene: ARID1B (AT-rich interaction domain 1B; plus strand). Cytogenetic location: 6q25.3.
Variant type: single nucleotide variant.
Coding change: c.2548G>T on transcript NM_001374828.1 (MANE Select); coding-DNA position 2548, G replaced by T.
Protein change: p.Ala850Ser; replaces alanine 850 with serine.
Molecular consequence: missense variant.
Genome position (GRCh38, 1-based): chr6:157,110,528, G>T. VCF-style: chr6-157110528-G-T. GRCh37 (hg19) VCF-style: chr6-157431662-G-T.
Other names: c.2299G>T, p.Ala767Ser (NM_001346813.1); c.49G>T, p.Ala17Ser (NM_001363725.2); c.2587G>T, p.Ala863Ser (NM_001371656.1, NM_001374820.1); c.2548G>T, p.Ala850Ser (NM_017519.3); c.2338G>T, p.Ala780Ser (NM_020732.3); c.2125G>T, p.Ala709Ser (NM_175863.2); short protein forms A17S, A709S, A863S, A767S, A780S, A850S.
Identifiers: ClinVar variation 1949522 (VCV001949522.6), dbSNP rs147784000, ClinGen allele CA366386679.

ClinVar aggregate classification (germline): Uncertain significance. Review status: criteria provided, multiple submitters, no conflicts (2 of 4 stars). 2 submissions from 2 submitters: Uncertain significance (2). Last evaluated 2024-10-31.

gnomAD v4.1: 2 of 1,614,022 alleles (0.00012%); highest among the groups gnomAD compares: Non-Finnish European, 0.00017%; no homozygotes.

Submissions (2):

Blueprint Genetics
Classification: Uncertain significance. Last evaluated: 2024-10-31. Review status: criteria provided, single submitter. Criteria: ACMG Guidelines, 2015. Collection method: clinical testing. Allele origin: germline.

Labcorp Genetics (formerly Invitae), Labcorp
Classification: Uncertain significance. Last evaluated: 2024-10-17. Review status: criteria provided, single submitter. Criteria: Invitae Variant Classification Sherloc (09022015). Collection method: clinical testing. Allele origin: germline.
Comment: This sequence change replaces alanine, which is neutral and non-polar, with serine, which is neutral and polar, at codon 780 of the ARID1B protein (p.Ala780Ser). This variant is not present in population databases (gnomAD no frequency). This variant has not been reported in the literature in individuals affected with ARID1B-related conditions. ClinVar contains an entry for this variant (Variation ID: 1949522). Invitae Evidence Modeling of protein sequence and biophysical properties (such as structural, functional, and spatial information, amino acid conservation, physicochemical variation, residue mobility, and thermodynamic stability) indicates that this missense variant is not expected to disrupt ARID1B protein function with a negative predictive value of 95%. In summary, the available evidence is currently insufficient to determine the role of this variant in disease. Therefore, it has been classified as a Variant of Uncertain Significance.